The following is an entry in ClinVar:

ClinVar aggregate classification (germline): Pathogenic/Likely pathogenic. Review status: criteria provided, multiple submitters, no conflicts (2 of 4 stars). 2 submissions from 2 submitters: Pathogenic (1); Likely pathogenic (1). Last evaluated 2026-04-14.

Conditions:
Familial intrahepatic cholestasis. Identifiers: Orphanet 284385, MedGen CN296401, MONDO:0017290.
Progressive familial intrahepatic cholestasis type 1. Also called: BYLER DISEASE; Byler's disease; Severe ATP8B1 Deficiency (Progressive Familial Intrahepatic Cholestasis Type 1 [PFIC1]). Identifiers: Orphanet 79306, MedGen C4551898, MONDO:0008892, OMIM 211600.
Benign recurrent intrahepatic cholestasis type 1. Also called: SUMMERSKILL SYNDROME; Mild-to-Moderate ATP8B1 Deficiency (Benign Recurrent Intrahepatic Cholestasis 1 [BRIC1]). Identifiers: Orphanet 65682, Orphanet 99960, MedGen C4551899, MONDO:0009469, OMIM 243300.
Cholestasis, intrahepatic, of pregnancy, 1 (ICP1). Also called: CHOLESTASIS, PREGNANCY-RELATED, 1. Identifiers: Orphanet 69665, MedGen C3549845, MONDO:0007829, OMIM 147480.

Submissions (2):

Genomenon, Inc
Classification: Pathogenic for Familial intrahepatic cholestasis. Last evaluated: 2026-04-14. Review status: criteria provided, single submitter. Criteria: Genomenon Sequence Variant Interpretation Standards - Updated. Collection method: curation. Allele origin: germline. Affected: yes.
Comment: ATP8B1 p.Met320ValfsTer14 (c.958_967del) is a frameshift variant that results in the production of a truncated protein which is predicted to undergo nonsense-mediated mRNA decay. This variant has been observed in at least one proband with features of ATP8B1-deficiency (PMID:26678486). It is absent or not present at a significant frequency in gnomAD. In conclusion, we classify ATP8B1 p.Met320ValfsTer14 (c.958_967del) as a pathogenic variant.

Immunogenetics and Transplant Biology Service, University Hospital "Città della Salute e della Scienza di Torino"
Classification: Likely pathogenic for Benign recurrent intrahepatic cholestasis type 1; Progressive familial intrahepatic cholestasis type 1; Cholestasis, intrahepatic, of pregnancy, 1. Last evaluated: 2025-06-28. Review status: criteria provided, single submitter. Criteria: ACMG Guidelines, 2015. Collection method: clinical testing. Allele origin: germline. Affected: yes.

Literature cited by the submitters: PubMed 26678486 (cited by Genomenon, Inc).

NM_001374385.1(ATP8B1):c.958_967del (p.Met320fs)

Genes: ATP8B1 (ATPase phospholipid transporting 8B1; minus strand), LOC126862761 (CDK7 strongly-dependent group 2 enhancer GRCh37_chr18:55360919-55362118; plus strand). Cytogenetic location: 18q21.31.
Variant type: Deletion.
Coding change: c.958_967del on transcript NM_001374385.1 (MANE Select); coding-DNA positions 958 to 967, 10 bases deleted (ATGAAGAATA; older notation c.958_967delATGAAGAATA).
Protein change: p.Met320fs; shifts the reading frame from methionine 320.
Molecular consequence: frameshift variant.
Genome position (GRCh38, 1-based): chr18:57,694,644-57,694,653, TATTCTTCAT deleted on the plus strand (ATGAAGAATA on the coding strand, the reverse complement: ATP8B1 is on the minus strand); deleting any 10 consecutive bases within chr18:57,694,644-57,694,657 gives the same sequence; the c. name uses the placement nearest the transcript's 3' end. VCF-style (leftmost placement, unchanged base first): chr18-57694643-CTATTCTTCAT-C. GRCh37 (hg19) VCF-style: chr18-55361875-CTATTCTTCAT-C.
Other names: c.808_817del, p.Met270fs (NM_001374386.1); c.958_967del, p.Met320fs (NM_005603.6); short protein forms M270fs, M320fs.
Identifiers: ClinVar variation 4072081 (VCV004072081.2).